The following is an entry in ClinVar:

ClinVar aggregate classification (germline): Uncertain significance. Review status: criteria provided, multiple submitters, no conflicts (2 of 4 stars). 2 submissions from 2 submitters: Uncertain significance (2). Last evaluated 2025-08-06.

Conditions:
SLC9A1-related disorder. Also called: SLC9A1-related condition.

Allele frequency attached by ClinVar (database versions not stated): gnomAD 0.00001; gnomAD exomes 0.00002; ExAC 0.00010.
gnomAD v4.1: 30 of 1,613,860 alleles (0.0019%); highest among the groups gnomAD compares: Admixed American, 0.032%; no homozygotes.

Submissions (2):

PreventionGenetics, part of Exact Sciences
Classification: Uncertain significance for SLC9A1-related condition. Last evaluated: 2025-08-06. Review status: criteria provided, single submitter. Criteria: ACMG Guidelines, 2015. Collection method: clinical testing. Allele origin: germline.
Comment: The SLC9A1 c.2293C>T variant is predicted to result in the amino acid substitution p.Arg765Trp. To our knowledge, this variant has not been reported in the literature. This variant is reported in 0.042% of alleles in individuals of Latino descent in gnomAD. At this time, the clinical significance of this variant is uncertain due to the absence of conclusive functional and genetic evidence.

Labcorp Genetics (formerly Invitae), Labcorp
Classification: Uncertain significance. Last evaluated: 2024-10-14. Review status: criteria provided, single submitter. Criteria: Invitae Variant Classification Sherloc (09022015). Collection method: clinical testing. Allele origin: germline.
Comment: This sequence change replaces arginine, which is basic and polar, with tryptophan, which is neutral and slightly polar, at codon 765 of the SLC9A1 protein (p.Arg765Trp). This variant is present in population databases (rs750040030, gnomAD 0.04%). This variant has not been reported in the literature in individuals affected with SLC9A1-related conditions. ClinVar contains an entry for this variant (Variation ID: 1991339). An algorithm developed to predict the effect of missense changes on protein structure and function (PolyPhen-2) suggests that this variant is likely to be tolerated. In summary, the available evidence is currently insufficient to determine the role of this variant in disease. Therefore, it has been classified as a Variant of Uncertain Significance.

NM_003047.5(SLC9A1):c.2293C>T (p.Arg765Trp)

Gene: SLC9A1 (solute carrier family 9 member A1; minus strand). Cytogenetic location: 1p36.11.
Variant type: single nucleotide variant.
Coding change: c.2293C>T on transcript NM_003047.5 (MANE Select); coding-DNA position 2293, C replaced by T.
Protein change: p.Arg765Trp; replaces arginine 765 with tryptophan.
Molecular consequence: missense variant. On other transcripts: non-coding transcript variant (1).
Genome position (GRCh38, 1-based): chr1:27,100,462, G>A on the plus strand (C>T on the coding strand, the complement: SLC9A1 is on the minus strand). VCF-style: chr1-27100462-G-A. GRCh37 (hg19) VCF-style: chr1-27426953-G-A.
Other names: c.2293C>T (NM_003047.4); short protein forms R765W.
Identifiers: ClinVar variation 1991339 (VCV001991339.5), dbSNP rs750040030, ClinGen allele CA710824.
Genomic context (GRCh38, chr1:27,100,462, plus strand): 5'-TGTCACTGGGCGCGGGGGTGAAGACATCGTCGGTTCCTGGGGACGAAGTCTCCTTGCTCC[G>A]CATCATGATGCCCCCATCGTCGTCCTCGTCCTCCTCAGCCACCTTTGCAGGATCCCGGCT-3'
Protein context (NP_003038.2, residues 755-775): DEDDDGGIMM[Arg765Trp]SKETSSPGTD